The following is an entry in ClinVar:

NM_206926.2(SELENON):c.1180-41C>T

Gene: SELENON (selenoprotein N; plus strand). Cytogenetic location: 1p36.11.
Variant type: single nucleotide variant.
Coding change: c.1180-41C>T on transcript NM_206926.2 (MANE Select); 41 bases into the intron before coding-DNA position 1180, C replaced by T.
Molecular consequence: intron variant.
Genome position (GRCh38, 1-based): chr1:25,812,646, C>T. VCF-style: chr1-25812646-C-T. GRCh37 (hg19) VCF-style: chr1-26139137-C-T.
Other names: c.1282-41C>T (NM_020451.3).
Identifiers: ClinVar variation 261274 (VCV000261274.5), dbSNP rs10902685, ClinGen allele CA696811.

ClinVar aggregate classification (germline): Benign. Review status: criteria provided, multiple submitters, no conflicts (2 of 4 stars). 4 submissions from 4 submitters: Benign (4). Last evaluated 2021-07-15.

Conditions:
Eichsfeld type congenital muscular dystrophy (CMYO3). Also called: MYOPATHY, SEPN1-RELATED; Rigid spine muscular dystrophy 1; SELENON-related myopathy; Congenital myopathy 3 with rigid spine. Identifiers: MedGen C0410180, MONDO:0100100, OMIM 602771.

Allele frequency attached by ClinVar (database versions not stated): ESP Exome Variant Server 0.63714; gnomAD 0.64052 and 0.65578; TOPMed 0.64665; 1000 Genomes Project 30x 0.68473; 1000 Genomes Project 0.69768; gnomAD exomes 0.78674 and 0.79295; ExAC 0.79443.
gnomAD v4.1: 1,179,799 of 1,525,118 alleles (77%); highest among the groups gnomAD compares: East Asian, 96%; 467,457 homozygotes.

Submissions (4):

Genome-Nilou Lab
Classification: Benign for Eichsfeld type congenital muscular dystrophy. Last evaluated: 2021-07-15. Review status: criteria provided, single submitter. Criteria: ACMG Guidelines, 2015. Collection method: clinical testing. Allele origin: germline. Affected: no.

GeneDx
Classification: Benign. Last evaluated: 2018-06-14. Review status: criteria provided, single submitter. Criteria: GeneDx Variant Classification (06012015). Collection method: clinical testing. Allele origin: germline. Affected: yes.
Comment: This variant is considered likely benign or benign based on one or more of the following criteria: it is a conservative change, it occurs at a poorly conserved position in the protein, it is predicted to be benign by multiple in silico algorithms, and/or has population frequency not consistent with disease.

Breakthrough Genomics
Classification: Benign. Review status: criteria provided, single submitter. Criteria: ACMG Guidelines, 2015. Collection method: not provided. Allele origin: germline. Inheritance: Autosomal recessive inheritance. Affected: yes.

PreventionGenetics, part of Exact Sciences
Classification: Benign. Review status: criteria provided, single submitter. Criteria: ACMG Guidelines, 2015. Collection method: clinical testing. Allele origin: germline.